The following is an entry in ClinVar:

ClinVar aggregate classification (germline): Pathogenic (1 of 4 stars; one submission).

Conditions:
Hyperekplexia 1 (STHE). Also called: KOK DISEASE; STARTLE DISEASE, FAMILIAL; STIFF-BABY SYNDROME; STIFF-MAN SYNDROME, CONGENITAL; STIFF-PERSON SYNDROME, CONGENITAL; HYPEREKPLEXIA 1, AUTOSOMAL DOMINANT. Identifiers: Orphanet 3197, MedGen C4551954, MONDO:0007868, OMIM 149400.

gnomAD v4.1: 1 of 1,604,734 alleles (0.000062%); no homozygotes.

Submission:

Department of Medical Genetics, Sanjay Gandhi Post Graduate Institute of Medical Sciences
Classification: Pathogenic for Hyperekplexia 1. Review status: criteria provided, single submitter. Criteria: ACMG Guidelines, 2015. Collection method: clinical testing. Allele origin: inherited. Inheritance: Autosomal recessive inheritance. Affected: yes. Observed: 1 variant allele, 1 homozygote.
Comment: A homozygous 3â€™ splice site variation in the GLRA1 gene (chr5:151235945; C>T) that affects the invariant CT acceptor splice site of exon 5 (c.477-1G>A; ENST00000455880) was detected. This 3â€™ splice variation is considered pathogenic because it is not present in the 1000 Genomes database and has a minor allele frequency of less than 0.001% in the ExAC database. It is predicted to be damaging by the pathogenicity predication software such as MutationTaster and Human Splicing Finder. This region is conserved across species.

Literature cited by the submitters: PubMed 28879899.

NM_000171.4(GLRA1):c.477-1G>A

Gene: GLRA1 (glycine receptor alpha 1; minus strand). Cytogenetic location: 5q33.1.
Variant type: single nucleotide variant.
Coding change: c.477-1G>A on transcript NM_000171.4 (MANE Select); the canonical splice acceptor site of the intron before coding-DNA position 477, G replaced by A.
Molecular consequence: splice acceptor variant.
Genome position (GRCh38, 1-based): chr5:151,856,384, C>T on the plus strand (G>A on the coding strand, the complement: GLRA1 is on the minus strand). VCF-style: chr5-151856384-C-T. GRCh37 (hg19) VCF-style: chr5-151235945-C-T.
Other names: GLRA1; c.228-1G>A (NM_001292000.2); c.477-1G>A (NM_001146040.2).
Identifiers: ClinVar variation 487340 (VCV000487340.3), dbSNP rs762864856, ClinGen allele CA361840920.